The following is an entry in ClinVar:

NM_000038.6(APC):c.8392A>G (p.Thr2798Ala)

Gene: APC (APC regulator of Wnt signaling pathway; plus strand). Cytogenetic location: 5q22.2.
Variant type: single nucleotide variant.
Coding change: c.8392A>G on transcript NM_000038.6 (MANE Select); coding-DNA position 8392, A replaced by G.
Protein change: p.Thr2798Ala; replaces threonine 2798 with alanine.
Molecular consequence: missense variant.
Genome position (GRCh38, 1-based): chr5:112,843,986, A>G. VCF-style: chr5-112843986-A-G. GRCh37 (hg19) VCF-style: chr5-112179683-A-G.
Other names: c.8392A>G, p.Thr2798Ala (NM_001127510.3, NM_001354895.2); c.8338A>G, p.Thr2780Ala (NM_001127511.3); c.8446A>G, p.Thr2816Ala (NM_001354896.2); c.8422A>G, p.Thr2808Ala (NM_001354897.2); c.8317A>G, p.Thr2773Ala (NM_001354898.2); c.8308A>G, p.Thr2770Ala (NM_001354899.2); c.8269A>G, p.Thr2757Ala (NM_001354900.2); c.8215A>G, p.Thr2739Ala (NM_001354901.2); and 5 more; short protein forms T2780A, T2798A, T2739A, T2638A, T2697A, T2707A, T2672A, T2757A.
Identifiers: ClinVar variation 486767 (VCV000486767.6), dbSNP rs1554089088, ClinGen allele CA16039547.

ClinVar aggregate classification (germline): Uncertain significance (1 of 4 stars; one submission).

Conditions:
Hereditary cancer-predisposing syndrome. Also called: Tumor predisposition; Hereditary Cancer Syndrome; Hereditary neoplastic syndrome; Neoplastic Syndromes, Hereditary. Identifiers: Orphanet 140162, MedGen C0027672, MeSH D009386, MONDO:0015356.

Submission:

Ambry Genetics
Classification: Uncertain significance for Hereditary cancer-predisposing syndrome. Last evaluated: 2024-04-29. Review status: criteria provided, single submitter. Criteria: Ambry Variant Classification Scheme 2023. Collection method: clinical testing. Allele origin: germline.
Comment: The p.T2798A variant (also known as c.8392A>G), located in coding exon 15 of the APC gene, results from an A to G substitution at nucleotide position 8392. The threonine at codon 2798 is replaced by alanine, an amino acid with similar properties. Missense alterations in APC are not a common cause of disease (Spier I et al. Genet Med. 2024 Feb;26(2):100992). This amino acid position is not well conserved in available vertebrate species. In addition, in silico predictors for this gene do not accurately predict pathogenicity. Based on the available evidence, the clinical significance of this variant remains unclear.